The following is an entry in ClinVar:

ClinVar aggregate classification (germline): Uncertain significance (1 of 4 stars; one submission).

Submission:

GeneDx
Classification: Uncertain significance. Last evaluated: 2023-12-11. Review status: criteria provided, single submitter. Criteria: GeneDx Variant Classification Process June 2021. Collection method: clinical testing. Allele origin: germline. Affected: yes.
Comment: Not observed at significant frequency in large population cohorts (gnomAD); In silico analysis supports that this missense variant does not alter protein structure/function; Has not been previously published as pathogenic or benign to our knowledge

NM_001197104.2(KMT2A):c.4945C>G (p.Gln1649Glu)

Gene: KMT2A (lysine methyltransferase 2A; plus strand). Cytogenetic location: 11q23.3.
Variant type: single nucleotide variant.
Coding change: c.4945C>G on transcript NM_001197104.2 (MANE Select); coding-DNA position 4945, C replaced by G.
Protein change: p.Gln1649Glu; replaces glutamine 1649 with glutamic acid.
Molecular consequence: missense variant.
Genome position (GRCh38, 1-based): chr11:118,491,869, C>G. VCF-style: chr11-118491869-C-G. GRCh37 (hg19) VCF-style: chr11-118362584-C-G.
Other names: c.5035C>G, p.Gln1679Glu (NM_001412597.1); c.4936C>G, p.Gln1646Glu (NM_005933.4); short protein forms Q1646E, Q1649E, Q1679E.
Identifiers: ClinVar variation 3365312 (VCV003365312.1).